The following is an entry in ClinVar:

NM_206933.4(USH2A):c.6363_6364del (p.Ala2122fs)

Gene: USH2A (usherin; minus strand). Cytogenetic location: 1q41.
Variant type: Deletion.
Coding change: c.6363_6364del on transcript NM_206933.4 (MANE Select); coding-DNA positions 6363 to 6364, 2 bases deleted (TG; older notation c.6363_6364delTG).
Protein change: p.Ala2122fs; shifts the reading frame from alanine 2122.
Molecular consequence: frameshift variant.
Genome position (GRCh38, 1-based): chr1:216,000,524-216,000,525, CA deleted on the plus strand (TG on the coding strand, the reverse complement: USH2A is on the minus strand); deleting any 2 consecutive bases within chr1:216,000,524-216,000,526 gives the same sequence; the c. name uses the placement nearest the transcript's 3' end. VCF-style (leftmost placement, unchanged base first): chr1-216000523-GCA-G. GRCh37 (hg19) VCF-style: chr1-216173865-GCA-G.
Other names: c.6363_6364delTG (NM_206933.2); short protein forms A2122fs.
Identifiers: ClinVar variation 2881475 (VCV002881475.4), dbSNP rs2527622873, ClinGen allele CA2739275606.

ClinVar aggregate classification (germline): Pathogenic/Likely pathogenic. Review status: criteria provided, multiple submitters, no conflicts (2 of 4 stars). 2 submissions from 2 submitters: Pathogenic (1); Likely pathogenic (1). Last evaluated 2024-03-27.

Conditions:
Usher syndrome type 2A. Also called: RETINAL DISEASE IN USHER SYNDROME TYPE IIA, MODIFIER OF; USHER SYNDROME, TYPE IIA. Identifiers: Orphanet 231178, Orphanet 886, MedGen C1848634, MONDO:0010169, OMIM 276901.

Submissions (2):

Natera, Inc.
Classification: Likely pathogenic for Usher syndrome type 2A. Last evaluated: 2024-03-27. Review status: criteria provided, single submitter. Criteria: Natera Variant Classification Schema (03/2026). Collection method: clinical testing. Allele origin: germline.
Comment: The c.6363_6364delTG variant in USH2A is a frameshift variant predicted to shift the reading frame beginning at codon 2122 and leads to a stop codon 35 codons downstream. This variant is expected to result in nonsense mediated decay, truncation, or a dysfunctional protein product. This variant is rare in the general population with a frequency below the threshold expected for the associated phenotype(s). Given the available evidence, this variant is classified as Likely Pathogenic.

Labcorp Genetics (formerly Invitae), Labcorp
Classification: Pathogenic. Last evaluated: 2023-06-03. Review status: criteria provided, single submitter. Criteria: Invitae Variant Classification Sherloc (09022015). Collection method: clinical testing. Allele origin: germline.
Comment: This sequence change creates a premature translational stop signal (p.Ala2122Metfs*35) in the USH2A gene. It is expected to result in an absent or disrupted protein product. Loss-of-function variants in USH2A are known to be pathogenic (PMID: 10729113, 10909849, 20507924, 25649381). This variant is not present in population databases (gnomAD no frequency). This variant has not been reported in the literature in individuals affected with USH2A-related conditions. For these reasons, this variant has been classified as Pathogenic.

Literature cited by the submitters: PubMed 10729113 (cited by Labcorp Genetics (formerly Invitae), Labcorp); PubMed 10909849 (cited by Labcorp Genetics (formerly Invitae), Labcorp); PubMed 20507924 (cited by Labcorp Genetics (formerly Invitae), Labcorp); PubMed 25649381 (cited by Labcorp Genetics (formerly Invitae), Labcorp).